The following is an entry in ClinVar:

ClinVar aggregate classification (germline): Uncertain significance. Review status: criteria provided, multiple submitters, no conflicts (2 of 4 stars). 2 submissions from 2 submitters: Uncertain significance (2). Last evaluated 2026-06-10.

Allele frequency attached by ClinVar (database versions not stated): TOPMed below 0.00001; gnomAD 0.00001; gnomAD exomes 0.00002.
gnomAD v4.1: 27 of 1,610,170 alleles (0.0017%); highest among the groups gnomAD compares: Non-Finnish European, 0.0022%; no homozygotes.

Submissions (2):

Ambry Genetics
Classification: Uncertain significance. Last evaluated: 2026-06-10. Review status: criteria provided, single submitter. Criteria: Ambry Variant Classification Scheme 2023. Collection method: clinical testing. Allele origin: germline.

Labcorp Genetics (formerly Invitae), Labcorp
Classification: Uncertain significance. Last evaluated: 2023-09-10. Review status: criteria provided, single submitter. Criteria: Invitae Variant Classification Sherloc (09022015). Collection method: clinical testing. Allele origin: germline.
Comment: In summary, the available evidence is currently insufficient to determine the role of this variant in disease. Therefore, it has been classified as a Variant of Uncertain Significance. An algorithm developed to predict the effect of missense changes on protein structure and function (PolyPhen-2) suggests that this variant is likely to be tolerated. ClinVar contains an entry for this variant (Variation ID: 1945448). This variant has not been reported in the literature in individuals affected with IL6ST-related conditions. This variant is not present in population databases (gnomAD no frequency). This sequence change replaces proline, which is neutral and non-polar, with alanine, which is neutral and non-polar, at codon 611 of the IL6ST protein (p.Pro611Ala).

NM_002184.4(IL6ST):c.1831C>G (p.Pro611Ala)

Gene: IL6ST (interleukin 6 cytokine family signal transducer; minus strand). Cytogenetic location: 5q11.2.
Variant type: single nucleotide variant.
Coding change: c.1831C>G on transcript NM_002184.4 (MANE Select); coding-DNA position 1831, C replaced by G.
Protein change: p.Pro611Ala; replaces proline 611 with alanine.
Molecular consequence: missense variant. On other transcripts: 3 prime UTR variant (1), non-coding transcript variant (2).
Genome position (GRCh38, 1-based): chr5:55,951,473, G>C on the plus strand (C>G on the coding strand, the complement: IL6ST is on the minus strand). VCF-style: chr5-55951473-G-C. GRCh37 (hg19) VCF-style: chr5-55247301-G-C.
Other names: c.1831C>G (NM_002184.3); c.1648C>G, p.Pro550Ala (NM_001190981.2); c.1729C>G, p.Pro577Ala (NM_001364275.2); c.1621C>G, p.Pro541Ala (NM_001364276.2); c.964C>G, p.Pro322Ala (NM_001364277.2); c.928C>G, p.Pro310Ala (NM_001364278.2); c.835C>G, p.Pro279Ala (NM_001364279.2); c.*758C>G (NM_175767.3); short protein forms P541A, P577A, P611A, P279A, P322A, P310A, P550A.
Identifiers: ClinVar variation 1945448 (VCV001945448.6), dbSNP rs1751625971, ClinGen allele CA359761559.